The following is an entry in ClinVar:

NM_001013839.4(EXOC7):c.417+41C>G

Gene: EXOC7 (exocyst complex component 7; minus strand). Cytogenetic location: 17q25.1.
Variant type: single nucleotide variant.
Coding change: c.417+41C>G on transcript NM_001013839.4 (MANE Select); 41 bases into the intron after coding-DNA position 417, C replaced by G.
Molecular consequence: intron variant. On other transcripts: nonsense (1).
Genome position (GRCh38, 1-based): chr17:76,101,230, G>C on the plus strand (C>G on the coding strand, the complement: EXOC7 is on the minus strand). VCF-style: chr17-76101230-G-C. GRCh37 (hg19) VCF-style: chr17-74097311-G-C.
Other names: c.458C>G, p.Ser153Ter (NM_001282314.2); c.417+41C>G (NM_015219.5, NM_001375975.1, NM_001145298.4 and 4 more transcripts); c.294+41C>G (NM_001282313.2); c.458C>G (NM_001282314.1); short protein forms S153*.
Identifiers: ClinVar variation 1690421 (VCV001690421.26), dbSNP rs113648734, ClinGen allele CA8781699.
Genomic context (GRCh38, chr17:76,101,230, plus strand): 5'-ATTCTACTGCATACATCCTCAAGCTGGCTCCATGTCCCTCATGAGACCAGGGCAGAGACT[G>C]ATATCCCCAAGCTTCTCACGTTATTCTGCGGACCCCTTACCACTTTGTTGAGTTCCGGGC-3'

ClinVar aggregate classification (germline): Benign/Likely benign. Review status: criteria provided, multiple submitters, no conflicts (2 of 4 stars). 4 submissions from 4 submitters: Benign (2); Likely benign (1). 1 of the submissions does not count toward it. Last evaluated 2023-12-01.

Conditions:
EXOC7-related disorder. Also called: EXOC7-related condition.

Allele frequency attached by ClinVar (database versions not stated): gnomAD exomes 0.00136 and 0.00315; ExAC 0.00357; ESP Exome Variant Server 0.00938; gnomAD 0.01079 and 0.01152; TOPMed 0.01212; 1000 Genomes Project 0.01218; 1000 Genomes Project 30x 0.01312.

Submissions (4):

CeGaT Center for Human Genetics Tuebingen
Classification: Benign. Last evaluated: 2023-12-01. Review status: criteria provided, single submitter. Criteria: CeGaT Center For Human Genetics Tuebingen Variant Classification Criteria Version 2. Collection method: clinical testing. Allele origin: germline. Affected: yes. Observed: 1 variant allele.
Comment: EXOC7: BS1, BS2

Laboratorio de Genetica e Diagnostico Molecular, Hospital Israelita Albert Einstein
Classification: Benign. Last evaluated: 2021-08-19. Review status: criteria provided, single submitter. Criteria: ACMG Guidelines, 2015. Collection method: clinical testing. Allele origin: germline. Affected: yes.
Comment: ACMG classification criteria: BS1, BS2

Breakthrough Genomics
Classification: Likely benign. Review status: criteria provided, single submitter. Criteria: ACMG Guidelines, 2015. Collection method: not provided. Allele origin: germline. Inheritance: Autosomal recessive inheritance. Affected: yes.

PreventionGenetics, part of Exact Sciences
Classification: Benign for EXOC7-related condition. Last evaluated: 2021-05-06. Review status: no assertion criteria provided. Collection method: clinical testing. Allele origin: germline. Not counted in ClinVar's aggregate classification.
Comment: This variant is classified as benign based on ACMG/AMP sequence variant interpretation guidelines (Richards et al. 2015 PMID: 25741868, with internal and published modifications).